The following is an entry in ClinVar:

NM_016653.3(MAP3K20):c.2368G>T (p.Ala790Ser)

Genes: MAP3K20 (mitogen-activated protein kinase kinase kinase 20; plus strand), MAP3K20-AS1 (MAP3K20 antisense RNA 1; minus strand). Cytogenetic location: 2q31.1.
Variant type: single nucleotide variant.
Coding change: c.2368G>T on transcript NM_016653.3 (MANE Select); coding-DNA position 2368, G replaced by T.
Protein change: p.Ala790Ser; replaces alanine 790 with serine.
Molecular consequence: missense variant.
Genome position (GRCh38, 1-based): chr2:173,266,715, G>T. VCF-style: chr2-173266715-G-T. GRCh37 (hg19) VCF-style: chr2-174131443-G-T.
Other names: short protein forms A790S.
Identifiers: ClinVar variation 2100553 (VCV002100553.1), dbSNP rs1285759844, ClinGen allele CA349318380.
Genomic context (GRCh38, chr2:173,266,715, plus strand): 5'-AAAGTGGAATACCGGAAAAAGCCCCACAGGCCATCTCCCGCCAAAACCAATAAAGAGAGA[G>T]CCAGAGGGGACCACCGTGGATGGAGAAACTTTTGATGAATTGAACTACATAGCTTTTCTA-3'
Protein context (NP_057737.2, residues 780-800): PSPAKTNKER[Ala790Ser]RGDHRGWRNF

ClinVar aggregate classification (germline): Uncertain significance (1 of 4 stars; one submission).

Submission:

Labcorp Genetics (formerly Invitae), Labcorp
Classification: Uncertain significance. Last evaluated: 2022-02-20. Review status: criteria provided, single submitter. Criteria: Invitae Variant Classification Sherloc (09022015). Collection method: clinical testing. Allele origin: germline.
Comment: This sequence change replaces alanine, which is neutral and non-polar, with serine, which is neutral and polar, at codon 790 of the MAP3K20 protein (p.Ala790Ser). This variant is not present in population databases (gnomAD no frequency). This variant has not been reported in the literature in individuals affected with MAP3K20-related conditions. Experimental studies and prediction algorithms are not available or were not evaluated, and the functional significance of this variant is currently unknown. In summary, the available evidence is currently insufficient to determine the role of this variant in disease. Therefore, it has been classified as a Variant of Uncertain Significance.